The following is an entry in ClinVar:

NM_020919.4(ALS2):c.3146A>G (p.Tyr1049Cys)

Gene: ALS2 (alsin Rho guanine nucleotide exchange factor ALS2; minus strand). Cytogenetic location: 2q33.1.
Variant type: single nucleotide variant.
Coding change: c.3146A>G on transcript NM_020919.4 (MANE Select); coding-DNA position 3146, A replaced by G.
Protein change: p.Tyr1049Cys; replaces tyrosine 1049 with cysteine.
Molecular consequence: missense variant.
Genome position (GRCh38, 1-based): chr2:201,726,700, T>C on the plus strand (A>G on the coding strand, the complement: ALS2 is on the minus strand). VCF-style: chr2-201726700-T-C. GRCh37 (hg19) VCF-style: chr2-202591423-T-C.
Other names: c.3146A>G, p.Tyr1049Cys (NM_001410975.1); short protein forms Y1049C.
Identifiers: ClinVar variation 1969800 (VCV001969800.5), dbSNP rs2106006441, ClinGen allele CA350321042.

ClinVar aggregate classification (germline): Uncertain significance (1 of 4 stars; one submission).

Conditions:
Infantile-onset ascending hereditary spastic paralysis (IAHSP). Also called: Infantile-Onset Ascending Hereditary Spastic Paralysis (IAHSP); Autosomal Recessive Juvenile Amyotrophic Lateral Sclerosis. Identifiers: Orphanet 293168, MedGen C2931441, MONDO:0011797, OMIM 607225. Disease mechanism: loss of function.

Allele frequency attached by ClinVar (database versions not stated): gnomAD exomes below 0.00001.
gnomAD v4.1: 1 of 1,614,178 alleles (0.000062%); highest among the groups gnomAD compares: Non-Finnish European, 0.000085%; no homozygotes.

Submission:

Labcorp Genetics (formerly Invitae), Labcorp
Classification: Uncertain significance for Infantile-onset ascending hereditary spastic paralysis. Last evaluated: 2023-08-17. Review status: criteria provided, single submitter. Criteria: Invitae Variant Classification Sherloc (09022015). Collection method: clinical testing. Allele origin: germline.
Comment: Advanced modeling of protein sequence and biophysical properties (such as structural, functional, and spatial information, amino acid conservation, physicochemical variation, residue mobility, and thermodynamic stability) performed at Invitae indicates that this missense variant is expected to disrupt ALS2 protein function. In summary, the available evidence is currently insufficient to determine the role of this variant in disease. Therefore, it has been classified as a Variant of Uncertain Significance. This sequence change replaces tyrosine, which is neutral and polar, with cysteine, which is neutral and slightly polar, at codon 1049 of the ALS2 protein (p.Tyr1049Cys). This variant is not present in population databases (gnomAD no frequency). This variant has not been reported in the literature in individuals affected with ALS2-related conditions. ClinVar contains an entry for this variant (Variation ID: 1969800).